The following is an entry in ClinVar:

ClinVar aggregate classification (germline): Uncertain significance (1 of 4 stars; one submission).

Conditions:
Dyskeratosis congenita. Identifiers: Orphanet 1775, MedGen C0265965, MONDO:0015780.

Submission:

Ambry Genetics
Classification: Uncertain significance for Dyskeratosis congenita. Last evaluated: 2025-04-19. Review status: criteria provided, single submitter. Criteria: Ambry Variant Classification Scheme 2023. Collection method: clinical testing. Allele origin: germline.
Comment: The p.P217A variant (also known as c.649C>G), located in coding exon 2 of the TERT gene, results from a C to G substitution at nucleotide position 649. The proline at codon 217 is replaced by alanine, an amino acid with highly similar properties. This amino acid position is conserved. In addition, this alteration is predicted to be tolerated by in silico analysis. Based on the available evidence, the clinical significance of this variant remains unclear.

NM_198253.3(TERT):c.649C>G (p.Pro217Ala)

Gene: TERT (telomerase reverse transcriptase; minus strand). Cytogenetic location: 5p15.33.
Variant type: single nucleotide variant.
Coding change: c.649C>G on transcript NM_198253.3 (MANE Select); coding-DNA position 649, C replaced by G.
Protein change: p.Pro217Ala; replaces proline 217 with alanine.
Molecular consequence: missense variant. On other transcripts: non-coding transcript variant (2).
Genome position (GRCh38, 1-based): chr5:1,294,237, G>C on the plus strand (C>G on the coding strand, the complement: TERT is on the minus strand). VCF-style: chr5-1294237-G-C. GRCh37 (hg19) VCF-style: chr5-1294352-G-C.
Other names: c.649C>G, p.Pro217Ala (NM_001193376.3); short protein forms P217A.
Identifiers: ClinVar variation 3967354 (VCV003967354.1).